The following is an entry in ClinVar:

NM_000059.4(BRCA2):c.5378A>G (p.Asn1793Ser)

Gene: BRCA2 (BRCA2 DNA repair associated; plus strand). Cytogenetic location: 13q13.1.
Variant type: single nucleotide variant.
Coding change: c.5378A>G on transcript NM_000059.4 (MANE Select); coding-DNA position 5378, A replaced by G.
Protein change: p.Asn1793Ser; replaces asparagine 1793 with serine.
Molecular consequence: missense variant.
Genome position (GRCh38, 1-based): chr13:32,339,733, A>G. VCF-style: chr13-32339733-A-G. GRCh37 (hg19) VCF-style: chr13-32913870-A-G.
Other names: 5606A>G; short protein forms N1793S.
Identifiers: ClinVar variation 126066 (VCV000126066.25), dbSNP rs80358759, ClinGen allele CA022157.

ClinVar aggregate classification (germline): Conflicting classifications of pathogenicity. Review status: criteria provided, conflicting classifications (1 of 4 stars). 10 submissions from 10 submitters: Uncertain significance (2); Likely benign (4). 4 of the submissions do not count toward it. Last evaluated 2025-12-16.

Conditions:
Hereditary cancer-predisposing syndrome. Also called: Tumor predisposition; Hereditary Cancer Syndrome; Neoplastic Syndromes, Hereditary; Hereditary neoplastic syndrome. Identifiers: Orphanet 140162, MedGen C0027672, MeSH D009386, MONDO:0015356.
Hereditary breast ovarian cancer syndrome. Also called: Hereditary breast and ovarian cancer; Hereditary breast and/or ovarian cancer syndrome; BRCA1- and BRCA2-Associated Hereditary Breast and Ovarian Cancer; Hereditary breast and ovarian cancer syndrome; Hereditary breast and ovarian cancer syndrome (HBOC); Breast and ovarian cancer. Identifiers: Orphanet 145, MedGen C0677776, MeSH D061325, MONDO:0003582. Disease mechanism: loss of function.
Breast-ovarian cancer, familial, susceptibility to, 2 (BROVCA2). Also called: BRCA2 Hereditary Breast and Ovarian Cancer. Identifiers: Orphanet 145, MedGen C2675520, MONDO:0012933, OMIM 612555. Disease mechanism: loss of function.

Allele frequency attached by ClinVar (database versions not stated): gnomAD exomes below 0.00001 and 0.00001; TOPMed below 0.00001; ExAC 0.00002.
gnomAD v4.1: 6 of 1,613,830 alleles (0.00037%); highest among the groups gnomAD compares: South Asian, 0.0033%; no homozygotes.

Submissions (10):

Color Diagnostics, LLC DBA Color Health
Classification: Likely benign for Hereditary cancer-predisposing syndrome. Last evaluated: 2025-12-16. Review status: criteria provided, single submitter. Criteria: ACMG Guidelines, 2015. Collection method: clinical testing. Allele origin: germline.

Women's Health and Genetics/Laboratory Corporation of America, LabCorp
Classification: Uncertain significance. Last evaluated: 2025-12-09. Review status: criteria provided, single submitter. Criteria: LabCorp Variant Classification Summary - May 2015. Collection method: clinical testing. Allele origin: germline.
Comment: Variant summary: BRCA2 c.5378A>G (p.Asn1793Ser) results in a conservative amino acid change in the encoded protein sequence. Algorithms developed to predict the effect of missense changes on protein structure and function all suggest that this variant is likely to be tolerated. The variant allele was found at a frequency of 8e-06 in 251030 control chromosomes. The available data on variant occurrences in the general population are insufficient to allow any conclusion about variant significance. c.5378A>G has been observed in at least one individual affected with breast cancer, but has also been reported in at least one control individual from a case-control breast cancer study (e.g. Borg_2010, Momozawa_2018). These reports do not provide unequivocal conclusions about association of the variant with Hereditary Breast And Ovarian Cancer Syndrome. To our knowledge, no experimental evidence demonstrating an impact on protein function has been reported. The following publications have been ascertained in the context of this evaluation (PMID: 20104584, 30287823). ClinVar contains an entry for this variant (Variation ID: 126066). Based on the evidence outlined above, the variant was classified as uncertain significance.

Labcorp Genetics (formerly Invitae), Labcorp
Classification: Uncertain significance for Hereditary breast ovarian cancer syndrome. Last evaluated: 2025-11-10. Review status: criteria provided, single submitter. Criteria: Invitae Variant Classification Sherloc (09022015). Collection method: clinical testing. Allele origin: germline.
Comment: This sequence change replaces asparagine, which is neutral and polar, with serine, which is neutral and polar, at codon 1793 of the BRCA2 protein (p.Asn1793Ser). This variant is present in population databases (rs80358759, gnomAD 0.006%). This missense change has been observed in individual(s) with breast cancer or prostate cancer (PMID: 20104584, 31214711, 37937776). ClinVar contains an entry for this variant (Variation ID: 126066). Invitae Evidence Modeling of protein sequence and biophysical properties (such as structural, functional, and spatial information, amino acid conservation, physicochemical variation, residue mobility, and thermodynamic stability) indicates that this missense variant is not expected to disrupt BRCA2 protein function with a negative predictive value of 95%. In summary, the available evidence is currently insufficient to determine the role of this variant in disease. Therefore, it has been classified as a Variant of Uncertain Significance.

University of Washington Department of Laboratory Medicine, University of Washington
Classification: Likely benign for Hereditary cancer-predisposing syndrome. Last evaluated: 2023-03-23. Review status: criteria provided, single submitter. Criteria: Dines et al. (Genet Med. 2020). Collection method: curation. Allele origin: germline.
Comment: Missense variant in a coldspot region where missense variants are very unlikely to be pathogenic (PMID:31911673).

BRCA2 exon 11 coldspot. Reclassification based on statistical prior probability.

Ambry Genetics
Classification: Likely benign for Hereditary cancer-predisposing syndrome. Last evaluated: 2018-11-29. Review status: criteria provided, single submitter. Criteria: Ambry Variant Classification Scheme 2023. Collection method: clinical testing. Allele origin: germline.

GeneDx
Classification: Likely benign. Last evaluated: 2017-11-16. Review status: criteria provided, single submitter. Criteria: GeneDx Variant Classification (06012015). Collection method: clinical testing. Allele origin: germline. Affected: yes.
Comment: This variant is considered likely benign or benign based on one or more of the following criteria: it is a conservative change, it occurs at a poorly conserved position in the protein, it is predicted to be benign by multiple in silico algorithms, and/or has population frequency not consistent with disease.

BRCAlab, Lund University
Classification: Likely benign for Breast-ovarian cancer, familial, susceptibility to, 2. Last evaluated: 2020-03-02. Review status: no assertion criteria provided. Collection method: clinical testing. Allele origin: germline. Affected: yes. Not counted in ClinVar's aggregate classification.

Counsyl
Classification: Uncertain significance for Breast-ovarian cancer, familial, susceptibility to, 2. Last evaluated: 2016-01-20. Review status: no assertion criteria provided. Collection method: clinical testing. Allele origin: unknown. Not counted in ClinVar's aggregate classification.

Sharing Clinical Reports Project (SCRP)
Classification: Uncertain significance for Breast-ovarian cancer, familial 2. Last evaluated: 2009-08-19. Review status: no assertion criteria provided. Collection method: clinical testing. Allele origin: germline. Not counted in ClinVar's aggregate classification.

Breast Cancer Information Core (BIC) (BRCA2)
Classification: Uncertain significance for Breast-ovarian cancer, familial 2. Last evaluated: 2004-02-20. Review status: no assertion criteria provided. Collection method: clinical testing. Allele origin: germline. Affected: yes. Observed: 1 variant allele. Not counted in ClinVar's aggregate classification.

Literature cited by the submitters: PubMed 20104584 (cited by 4 submitters); PubMed 30287823 (cited by Women's Health and Genetics/Laboratory Corporation of America, LabCorp and Ambry Genetics); PubMed 31214711 (cited by Labcorp Genetics (formerly Invitae), Labcorp); PubMed 37937776 (cited by Labcorp Genetics (formerly Invitae), Labcorp); PubMed 21520273 (cited by Ambry Genetics and Counsyl); PubMed 24817641 (cited by Counsyl).